The following is an entry in ClinVar:

ClinVar aggregate classification (germline): Conflicting classifications of pathogenicity. Review status: criteria provided, conflicting classifications (1 of 4 stars). 4 submissions from 4 submitters: Uncertain significance (3); Likely benign (1). Last evaluated 2026-01-19.

Conditions:
Inborn genetic diseases. Identifiers: MedGen C0950123, MeSH D030342.
Glycogen storage disease IXd (GSD9D). Also called: GSD IXd; Muscle Phosphorylase Kinase Deficiency. Identifiers: Orphanet 715, MedGen C1845151, MONDO:0010362, OMIM 300559.
PHKA1-related disorder. Also called: PHKA1-related condition.

Allele frequency attached by ClinVar (database versions not stated): gnomAD 0.00003; TOPMed 0.00006; gnomAD exomes 0.00007; ExAC 0.00009; ESP Exome Variant Server 0.00019.
gnomAD v4.1: 75 of 1,207,710 alleles (0.0062%); highest among the groups gnomAD compares: South Asian, 0.071%; 1 homozygote.

Submissions (4):

Labcorp Genetics (formerly Invitae), Labcorp
Classification: Uncertain significance for Glycogen storage disease IXd. Last evaluated: 2026-01-19. Review status: criteria provided, single submitter. Criteria: Invitae Variant Classification Sherloc (09022015). Collection method: clinical testing. Allele origin: germline.
Comment: This sequence change replaces arginine, which is basic and polar, with histidine, which is basic and polar, at codon 248 of the PHKA1 protein (p.Arg248His). This variant is present in population databases (rs147219387, gnomAD 0.07%), and has an allele count higher than expected for a pathogenic variant. This variant has not been reported in the literature in individuals affected with PHKA1-related conditions. ClinVar contains an entry for this variant (Variation ID: 2148775). Invitae Evidence Modeling of protein sequence and biophysical properties (such as structural, functional, and spatial information, amino acid conservation, physicochemical variation, residue mobility, and thermodynamic stability) indicates that this missense variant is expected to disrupt PHKA1 protein function with a positive predictive value of 80%. In summary, the available evidence is currently insufficient to determine the role of this variant in disease. Therefore, it has been classified as a Variant of Uncertain Significance.

Ambry Genetics
Classification: Uncertain significance for Inborn genetic diseases. Last evaluated: 2025-10-21. Review status: criteria provided, single submitter. Criteria: Ambry Variant Classification Scheme 2023. Collection method: clinical testing. Allele origin: germline.

PreventionGenetics, part of Exact Sciences
Classification: Likely benign for PHKA1-related condition. Last evaluated: 2025-03-14. Review status: criteria provided, single submitter. Criteria: ACMG Guidelines, 2015. Collection method: clinical testing. Allele origin: germline.
Comment: This variant is classified as likely benign based on ACMG/AMP sequence variant interpretation guidelines (Richards et al. 2015 PMID: 25741868, with internal and published modifications).

GeneDx
Classification: Uncertain significance. Last evaluated: 2023-03-27. Review status: criteria provided, single submitter. Criteria: GeneDx Variant Classification Process June 2021. Collection method: clinical testing. Allele origin: germline. Affected: yes.
Comment: In silico analysis supports that this missense variant has a deleterious effect on protein structure/function; Has not been previously published as pathogenic or benign to our knowledge

NM_002637.4(PHKA1):c.743G>A (p.Arg248His)

Gene: PHKA1 (phosphorylase kinase regulatory subunit alpha 1; minus strand). Cytogenetic location: Xq13.1.
Variant type: single nucleotide variant.
Coding change: c.743G>A on transcript NM_002637.4 (MANE Select); coding-DNA position 743, G replaced by A.
Protein change: p.Arg248His; replaces arginine 248 with histidine.
Molecular consequence: missense variant.
Genome position (GRCh38, 1-based): chrX:72,666,272, C>T on the plus strand (G>A on the coding strand, the complement: PHKA1 is on the minus strand). VCF-style: chrX-72666272-C-T. GRCh37 (hg19) VCF-style: chrX-71886122-C-T.
Other names: c.743G>A (NM_002637.3); c.743G>A, p.Arg248His (NM_001122670.2, NM_001172436.2); short protein forms R248H.
Identifiers: ClinVar variation 2148775 (VCV002148775.9), dbSNP rs147219387, ClinGen allele CA10451002.
Genomic context (GRCh38, chrX:72,666,272, plus strand): 5'-AAGGCAGGGAAGGAAACCACTGAGAGTAGACTAGCATCAACCTCTTTTGATGTTGAAGCA[C>T]GGGGCAGTAGTGAATTTAGGATAGACTAAGAGAAAAGAAGTTAAGTTTATATAAAAGGAT-3'
Protein context (NP_002628.2, residues 238-258): CQSILNSLLP[Arg248His]ASTSKEVDAS